The following is an entry in ClinVar:

ClinVar aggregate classification (germline): Benign/Likely benign. Review status: criteria provided, multiple submitters, no conflicts (2 of 4 stars). 6 submissions from 6 submitters: Benign (1); Likely benign (5). Last evaluated 2026-01-27.

Conditions:
Tuberous sclerosis syndrome (TSC). Also called: Tuberous Sclerosis Complex; Tuberous sclerosis. Identifiers: Orphanet 805, MedGen C0041341, MONDO:0001734.
Tuberous sclerosis 1 (TSC1). Identifiers: Orphanet 805, MedGen C1854465, MONDO:0008612, OMIM 191100.
Hereditary cancer-predisposing syndrome. Also called: Hereditary neoplastic syndrome; Neoplastic Syndromes, Hereditary; Tumor predisposition; Hereditary Cancer Syndrome. Identifiers: Orphanet 140162, MedGen C0027672, MeSH D009386, MONDO:0015356.

Allele frequency attached by ClinVar (database versions not stated): gnomAD exomes below 0.00001 and 0.00001; ExAC 0.00001.
gnomAD v4.1: 4 of 1,614,230 alleles (0.00025%); highest among the groups gnomAD compares: Non-Finnish European, 0.00034%; no homozygotes.

Submissions (6):

Labcorp Genetics (formerly Invitae), Labcorp
Classification: Likely benign for Tuberous sclerosis 1. Last evaluated: 2026-01-27. Review status: criteria provided, single submitter. Criteria: Invitae Variant Classification Sherloc (09022015). Collection method: clinical testing. Allele origin: germline.

Myriad Genetics, Inc.
Classification: Benign for Tuberous sclerosis 1. Last evaluated: 2025-04-29. Review status: criteria provided, single submitter. Criteria: Myriad Autosomal Dominant, Autosomal Recessive and X-Linked Classification Criteria (2023). Collection method: clinical testing. Allele origin: unknown.
Comment: This variant is considered benign. This variant is a silent/synonymous amino acid change and it is not expected to impact splicing.

All of Us Research Program, National Institutes of Health
Classification: Likely benign for Tuberous sclerosis syndrome. Last evaluated: 2023-07-22. Review status: criteria provided, single submitter. Criteria: ACMG Guidelines, 2015. Collection method: clinical testing. Allele origin: germline. Inheritance: Autosomal dominant inheritance. Observed: 2 variant alleles, 2 heterozygotes.
Comment: This study involves interpretation of variants in research participants for the purpose of population health screening. Participant phenotype was not available at the time of variant classification. Additional details can be found in publication PMID: 35346344, PMCID: PMC8962531

Color Diagnostics, LLC DBA Color Health
Classification: Likely benign for Tuberous sclerosis syndrome. Last evaluated: 2022-09-20. Review status: criteria provided, single submitter. Criteria: ACMG Guidelines, 2015. Collection method: clinical testing. Allele origin: germline.

Ambry Genetics
Classification: Likely benign for Hereditary cancer-predisposing syndrome. Last evaluated: 2022-08-13. Review status: criteria provided, single submitter. Criteria: Ambry Variant Classification Scheme 2023. Collection method: clinical testing. Allele origin: germline.

Sema4
Classification: Likely benign for Hereditary cancer-predisposing syndrome. Last evaluated: 2021-10-07. Review status: criteria provided, single submitter. Criteria: Sema4 Curation Guidelines. Collection method: curation. Allele origin: germline.

NM_000368.5(TSC1):c.2878T>C (p.Leu960=)

Gene: TSC1 (TSC complex subunit 1; minus strand). Cytogenetic location: 9q34.13.
Variant type: single nucleotide variant.
Coding change: c.2878T>C on transcript NM_000368.5 (MANE Select); coding-DNA position 2878, T replaced by C.
Protein change: p.Leu960=; no amino-acid change (leucine 960 retained).
Molecular consequence: synonymous variant.
Genome position (GRCh38, 1-based): chr9:132,897,281, A>G on the plus strand (T>C on the coding strand, the complement: TSC1 is on the minus strand). VCF-style: chr9-132897281-A-G. GRCh37 (hg19) VCF-style: chr9-135772668-A-G.
Other names: c.2875T>C, p.Leu959= (NM_001162426.2); c.2725T>C, p.Leu909= (NM_001162427.2); c.2515T>C, p.Leu839= (NM_001362177.2).
Identifiers: ClinVar variation 736981 (VCV000736981.17), dbSNP rs766383986, ClinGen allele CA034854.
Genomic context (GRCh38, chr9:132,897,281, plus strand): 5'-CTTCAAGTTTTTTCAGGAGGCCATCTTTCTCCAACCTGCCATATAAATCTAAGATCTCCA[A>G]TTCAAACACCTGGGTTATCCTTTTCTGAGCCTCATACCTGCTCTCTGCGGCCTGCAGCTG-3'
Protein context (NP_000359.1, residues 950-970): AQKRITQVFE[Leu960=]EILDLYGRLE